The following is an entry in ClinVar:

NM_021614.4(KCNN2):c.533C>T (p.Ser178Phe)

Gene: KCNN2 (potassium calcium-activated channel subfamily N member 2; plus strand). Cytogenetic location: 5q22.3.
Variant type: single nucleotide variant.
Coding change: c.533C>T on transcript NM_021614.4 (MANE Select); coding-DNA position 533, C replaced by T.
Protein change: p.Ser178Phe; replaces serine 178 with phenylalanine.
Molecular consequence: missense variant. On other transcripts: non-coding transcript variant (1).
Genome position (GRCh38, 1-based): chr5:114,362,672, C>T. VCF-style: chr5-114362672-C-T. GRCh37 (hg19) VCF-style: chr5-113698369-C-T.
Other names: c.731C>T, p.Ser244Phe (NM_001372233.1); short protein forms S178F, S244F.
Identifiers: ClinVar variation 3367009 (VCV003367009.1).

ClinVar aggregate classification (germline): Uncertain significance (1 of 4 stars; one submission).

Conditions:
Neurodevelopmental disorder with or without variable movement or behavioral abnormalities (NEDMAB). Identifiers: MedGen C5676908, MONDO:0859225, OMIM 619725.

gnomAD v4.1: 26 of 1,427,752 alleles (0.0018%); highest among the groups gnomAD compares: South Asian, 0.028%; no homozygotes.

Submission:

Neuberg Centre For Genomic Medicine, NCGM
Classification: Uncertain significance for Neurodevelopmental disorder with or without variable movement or behavioral abnormalities. Last evaluated: 2023-05-20. Review status: criteria provided, single submitter. Criteria: ACMG Guidelines, 2015. Collection method: clinical testing. Allele origin: germline. Inheritance: Autosomal dominant inheritance. Affected: yes.
Comment: The observed missense c.533C>T(p.Ser178Phe) variant in KCNN2 gene has not been reported previously as a pathogenic variant nor a benign variant, to our knowledge. The p.Ser178Phe variant is absent in gnomAD Exomes. This variant has not been submitted to the ClinVar database. Multiple lines of computational evidences (SIFT - Damaging and MutationTaster - Disease causing) predict a damaging effect on protein structure and function for this variant. The reference amino acid is predicted as conserved by GERP++ and PhyloP across 100 vertebrates. The amino acid Ser at position 178 is changed to a Phe changing protein sequence and it might alter its composition and physico-chemical properties. For these reasons, this variant has been classified as a Variant of Uncertain Significance (VUS).